The following is an entry in ClinVar:

NM_032730.5(RTN4IP1):c.307C>T (p.Arg103Cys)

Gene: RTN4IP1 (reticulon 4 interacting protein 1; minus strand). Cytogenetic location: 6q21.
Variant type: single nucleotide variant.
Coding change: c.307C>T on transcript NM_032730.5 (MANE Select); coding-DNA position 307, C replaced by T.
Protein change: p.Arg103Cys; replaces arginine 103 with cysteine.
Molecular consequence: missense variant.
Genome position (GRCh38, 1-based): chr6:106,622,937, G>A on the plus strand (C>T on the coding strand, the complement: RTN4IP1 is on the minus strand). VCF-style: chr6-106622937-G-A. GRCh37 (hg19) VCF-style: chr6-107070812-G-A.
Other names: c.7C>T, p.Arg3Cys (NM_001318746.1); short protein forms R3C, R103C.
Identifiers: ClinVar variation 839520 (VCV000839520.7), dbSNP rs779178575, ClinGen allele CA3944540.

ClinVar aggregate classification (germline): Conflicting classifications of pathogenicity. Review status: criteria provided, conflicting classifications (1 of 4 stars). 3 submissions from 3 submitters: Likely pathogenic (1); Uncertain significance (2). Last evaluated 2024-11-06.

Conditions:
RTN4IP1-related disorder. Also called: RTN4IP1-related condition.

Allele frequency attached by ClinVar (database versions not stated): gnomAD 0.00002; ExAC 0.00004; TOPMed 0.00004; gnomAD exomes 0.00006.
gnomAD v4.1: 43 of 1,613,950 alleles (0.0027%); highest among the groups gnomAD compares: Middle Eastern, 0.016%; no homozygotes.

Submissions (3):

Blueprint Genetics
Classification: Likely pathogenic for RTN4IP1-related disorders. Last evaluated: 2024-11-06. Review status: criteria provided, single submitter. Criteria: ACMG Guidelines, 2015. Collection method: clinical testing. Allele origin: germline. Affected: yes. Observed: 5 variant alleles.

Labcorp Genetics (formerly Invitae), Labcorp
Classification: Uncertain significance. Last evaluated: 2022-10-29. Review status: criteria provided, single submitter. Criteria: Invitae Variant Classification Sherloc (09022015). Collection method: clinical testing. Allele origin: germline.
Comment: This sequence change replaces arginine, which is basic and polar, with cysteine, which is neutral and slightly polar, at codon 103 of the RTN4IP1 protein (p.Arg103Cys). This variant is present in population databases (rs779178575, gnomAD 0.06%). This variant has not been reported in the literature in individuals affected with RTN4IP1-related conditions. ClinVar contains an entry for this variant (Variation ID: 839520). Algorithms developed to predict the effect of missense changes on protein structure and function are either unavailable or do not agree on the potential impact of this missense change (SIFT: "Tolerated"; PolyPhen-2: "Probably Damaging"; Align-GVGD: "Class C0"). This variant disrupts the p.Arg103 amino acid residue in RTN4IP1. Other variant(s) that disrupt this residue have been determined to be pathogenic (PMID: 26593267, 28638143, 29181510). This suggests that this residue is clinically significant, and that variants that disrupt this residue are likely to be disease-causing. In summary, the available evidence is currently insufficient to determine the role of this variant in disease. Therefore, it has been classified as a Variant of Uncertain Significance.

GeneDx
Classification: Uncertain significance. Last evaluated: 2019-04-03. Review status: criteria provided, single submitter. Criteria: GeneDx Variant Classification Process June 2021. Collection method: clinical testing. Allele origin: germline. Affected: yes.
Comment: In silico analysis, which includes protein predictors and evolutionary conservation, supports a deleterious effect; Has not been previously published as pathogenic or benign to our knowledge

Literature cited by the submitters: PubMed 26593267 (cited by Labcorp Genetics (formerly Invitae), Labcorp); PubMed 28638143 (cited by Labcorp Genetics (formerly Invitae), Labcorp); PubMed 29181510 (cited by Labcorp Genetics (formerly Invitae), Labcorp).